The following is an entry in ClinVar:

ClinVar aggregate classification (germline): Benign (1 of 4 stars; one submission).

Conditions:
Ehlers-Danlos syndrome, dermatosparaxis type. Also called: Ehlers-Danlos syndrome, type VII, autosomal recessive; EDS VIIC; Dermatosparaxis. Identifiers: Orphanet 1901, MedGen C2700425, MONDO:0009161, OMIM 225410.

Allele frequency attached by ClinVar (database versions not stated): gnomAD 0.00703 and 0.00751; 1000 Genomes Project 0.00719; 1000 Genomes Project 30x 0.00765; TOPMed 0.00779.

Submission:

Illumina Laboratory Services, Illumina
Classification: Benign for Ehlers-Danlos syndrome, dermatosparaxis type. Last evaluated: 2018-01-13. Review status: criteria provided, single submitter. Criteria: ICSL Variant Classification Criteria 13 December 2019. Collection method: clinical testing. Allele origin: germline.
Comment: This variant was observed in the ICSL laboratory as part of a predisposition screen in an ostensibly healthy population. It had not been previously curated by ICSL or reported in the Human Gene Mutation Database (HGMD: prior to June 1st, 2018), and was therefore a candidate for classification through an automated scoring system. Utilizing variant allele frequency, disease prevalence and penetrance estimates, and inheritance mode, an automated score was calculated to assess if this variant is too frequent to cause the disease. Based on the score and internal cut-off values, a variant classified as benign is not then subjected to further curation. The score for this variant resulted in a classification of benign for this disease.

NM_014244.5(ADAMTS2):c.*1719T>C

Gene: ADAMTS2 (ADAM metallopeptidase with thrombospondin type 1 motif 2; minus strand). Cytogenetic location: 5q35.3.
Variant type: single nucleotide variant.
Coding change: c.*1719T>C on transcript NM_014244.5 (MANE Select); 1719 bases downstream of the stop codon, T replaced by C.
Molecular consequence: 3 prime UTR variant.
Genome position (GRCh38, 1-based): chr5:179,112,148, A>G on the plus strand (T>C on the coding strand, the complement: ADAMTS2 is on the minus strand). VCF-style: chr5-179112148-A-G. GRCh37 (hg19) VCF-style: chr5-178539149-A-G.
Identifiers: ClinVar variation 905994 (VCV000905994.4), dbSNP rs56153390, ClinGen allele CA133017708.